The following is an entry in ClinVar:

NM_001943.5(DSG2):c.1861G>A (p.Ala621Thr)

Gene: DSG2 (desmoglein 2; plus strand). Cytogenetic location: 18q12.1.
Variant type: single nucleotide variant.
Coding change: c.1861G>A on transcript NM_001943.5 (MANE Select); coding-DNA position 1861, G replaced by A.
Protein change: p.Ala621Thr; replaces alanine 621 with threonine.
Molecular consequence: missense variant.
Genome position (GRCh38, 1-based): chr18:31,538,960, G>A. VCF-style: chr18-31538960-G-A. GRCh37 (hg19) VCF-style: chr18-29118923-G-A.
Other names: short protein forms A621T.
Identifiers: ClinVar variation 922188 (VCV000922188.5), dbSNP rs748942919, ClinGen allele CA043940.
Genomic context (GRCh38, chr18:31,538,960, plus strand): 5'-GAAGCACAGCATGACTCCTATGTGGGCCTGGGACCCGCAGCAATTGCGCTCATGATTTTG[G>A]CCTTTCTGCTCCTGCTATGTAAGTCTTTAAAAGCCACTCTGTTGTGCTTTTGGGAATCTG-3'
Protein context (NP_001934.2, residues 611-631): GPAAIALMIL[Ala621Thr]FLLLLLVPLL

ClinVar aggregate classification (germline): Uncertain significance (1 of 4 stars; one submission).

Conditions:
Cardiomyopathy (CMYO). Also called: Cardiomyopathies. Identifiers: Orphanet 167848, MedGen C0878544, MONDO:0004994, HP:0001638. Inheritance: Various modes of inheritance.

Allele frequency attached by ClinVar (database versions not stated): gnomAD exomes below 0.00001; ExAC 0.00001.

Submission:

Color Diagnostics, LLC DBA Color Health
Classification: Uncertain significance for Cardiomyopathy. Last evaluated: 2023-12-04. Review status: criteria provided, single submitter. Criteria: ACMG Guidelines, 2015. Collection method: clinical testing. Allele origin: germline.
Comment: Variant of Uncertain Significance due to insufficient evidence: This missense variant is located in the transmembrane domain of the DSG2 protein. Computational prediction tools and conservation analyses are inconclusive regarding the impact of this variant on the protein function. Computational splicing tools suggest that this variant may not impact RNA splicing. To our knowledge, functional assays have not been performed for this variant nor has this variant been reported in individuals affected with cardiovascular disorders in the literature. This variant has been identified in 1/245296 chromosomes in the general population by the Genome Aggregation Database (gnomAD). Available evidence is insufficient to determine the role of this variant in disease conclusively.